The following is an entry in ClinVar:

NM_000130.5(F5):c.1786A>G (p.Ser596Gly)

Gene: F5 (coagulation factor V; minus strand). Cytogenetic location: 1q24.2.
Variant type: single nucleotide variant.
Coding change: c.1786A>G on transcript NM_000130.5 (MANE Select); coding-DNA position 1786, A replaced by G.
Protein change: p.Ser596Gly; replaces serine 596 with glycine.
Molecular consequence: missense variant.
Genome position (GRCh38, 1-based): chr1:169,544,485, T>C on the plus strand (A>G on the coding strand, the complement: F5 is on the minus strand). VCF-style: chr1-169544485-T-C. GRCh37 (hg19) VCF-style: chr1-169513723-T-C.
Other names: short protein forms S596G.
Identifiers: ClinVar variation 5005212 (VCV005005212.2).
Genomic context (GRCh38, chr1:169,544,485, plus strand): 5'-CCACACTACAGAAGTGCCACTGGACAGTGTCATCAAAGCAGAATCCAAGAGTAGTTATGC[T>C]CTCAGGCACATAGCCATTGATAGCTGAAAGTGTAAAATCTGTTAAAATTCCAAGTCTATG-3'
Protein context (NP_000121.2, residues 586-606): MSTINGYVPE[Ser596Gly]ITTLGFCFDD

ClinVar aggregate classification (germline): Uncertain significance (1 of 4 stars; one submission).

Conditions:
Congenital factor V deficiency. Also called: OWREN PARAHEMOPHILIA; PARAHEMOPHILIA; Hereditary factor V deficiency disease; LABILE FACTOR DEFICIENCY. Identifiers: Orphanet 326, MedGen C0015499, MONDO:0009210, OMIM 227400.
Thrombophilia due to activated protein C resistance (THPH2). Also called: Hereditary Resistance to Activated Protein C; PCCF DEFICIENCY; PROC COFACTOR DEFICIENCY; THROMBOPHILIA DUE TO DEFICIENCY OF ACTIVATED PROTEIN C COFACTOR; THROMBOPHILIA V; APC resistance. Identifiers: MedGen C1861171, MONDO:0008560, OMIM 188055. Disease mechanism: loss of function, gain of function.
Budd-Chiari syndrome (BDCHS). Also called: Hepatic vein obstruction. Identifiers: Orphanet 131, MedGen C0856761, MONDO:0010947, OMIM 600880, HP:0002639.
Ischemic stroke. Also called: CEREBROVASCULAR ACCIDENT; Ischemic stroke, susceptibility to. Identifiers: MedGen C0948008, MONDO:1060198, OMIM 601367, HP:0002140.
Pregnancy loss, recurrent, susceptibility to, 1 (RPRGL1). Also called: EMBRYONIC LOSS, RECURRENT; MISCARRIAGE, RECURRENT; STILLBIRTH, RECURRENT; FETAL LOSS, RECURRENT, SUSCEPTIBILITY TO. Identifiers: MedGen C3280670, MONDO:0013727, OMIM 614389.

gnomAD v4.1: 1 of 1,614,048 alleles (0.000062%); highest among the groups gnomAD compares: East Asian, 0.0022%; no homozygotes.

Submission:

Juno Genomics, Hangzhou Juno Genomics, Inc
Classification: Uncertain significance for Thrombophilia due to activated protein C resistance; Budd-Chiari syndrome; Pregnancy loss, recurrent, susceptibility to, 1; Ischemic stroke; Congenital factor V deficiency. Review status: criteria provided, single submitter. Criteria: ACMG Guidelines, 2015. Collection method: clinical testing. Allele origin: germline.
Comment: Absent from controls (or at extremely low frequency if recessive) in Genome Aggregation Database.